The following is an entry in ClinVar:

ClinVar aggregate classification (germline): Uncertain significance (1 of 4 stars; one submission).

Conditions:
MET-related disorder. Also called: MET-related condition.

Submission:

PreventionGenetics, part of Exact Sciences
Classification: Uncertain significance for MET-related condition. Last evaluated: 2022-08-18. Review status: criteria provided, single submitter. Criteria: ACMG Guidelines, 2015. Collection method: clinical testing. Allele origin: germline.
Comment: The MET c.1276C>A variant is predicted to result in the amino acid substitution p.Arg426Ser. To our knowledge, this variant has not been reported in the literature or in a large population database, indicating this variant is rare. At this time, the clinical significance of this variant is uncertain due to the absence of conclusive functional and genetic evidence.

NM_000245.4(MET):c.1276C>A (p.Arg426Ser)

Gene: MET (MET proto-oncogene, receptor tyrosine kinase; plus strand). Cytogenetic location: 7q31.2.
Variant type: single nucleotide variant.
Coding change: c.1276C>A on transcript NM_000245.4 (MANE Select); coding-DNA position 1276, C replaced by A.
Protein change: p.Arg426Ser; replaces arginine 426 with serine.
Molecular consequence: missense variant. On other transcripts: 5 prime UTR variant (1).
Genome position (GRCh38, 1-based): chr7:116,731,743, C>A. VCF-style: chr7-116731743-C-A. GRCh37 (hg19) VCF-style: chr7-116371797-C-A.
Other names: c.1276C>A, p.Arg426Ser (NM_001127500.3, NM_001324401.3); c.-15C>A (NM_001324402.2); short protein forms R426S.
Identifiers: ClinVar variation 2629506 (VCV002629506.1), dbSNP rs774779741, ClinGen allele CA368972830.
Genomic context (GRCh38, chr7:116,731,743, plus strand): 5'-TCATCAGGCTGTGAAGCGCGCCGTGATGAATATCGAACAGAGTTTACCACAGCTTTGCAG[C>A]GCGTTGACTTATTCATGGGTCAATTCAGCGAAGTCCTCTTAACATCTATATCCACCTTCA-3'
Protein context (NP_000236.2, residues 416-436): YRTEFTTALQ[Arg426Ser]VDLFMGQFSE